The following is an entry in ClinVar:

ClinVar aggregate classification (germline): Pathogenic/Likely pathogenic. Review status: criteria provided, multiple submitters, no conflicts (2 of 4 stars). 14 submissions from 14 submitters: Pathogenic (1); Likely pathogenic (12). 1 of the submissions does not count toward it. Last evaluated 2026-04-27.

Conditions:
PALB2-related disorder. Also called: PALB2-related disorders; PALB2-related condition.
Breast-ovarian cancer, familial, susceptibility to, 5 (BROVCA5). Identifiers: MedGen C5830615, MONDO:0957530, OMIM 620442.
Hereditary cancer-predisposing syndrome. Also called: Neoplastic Syndromes, Hereditary; Tumor predisposition; Hereditary neoplastic syndrome; Hereditary Cancer Syndrome. Identifiers: Orphanet 140162, MedGen C0027672, MeSH D009386, MONDO:0015356.
Hereditary breast ovarian cancer syndrome. Also called: Breast and ovarian cancer; BRCA1- and BRCA2-Associated Hereditary Breast and Ovarian Cancer; Hereditary breast and/or ovarian cancer syndrome; Hereditary breast and ovarian cancer syndrome; Hereditary breast and ovarian cancer; Hereditary breast and ovarian cancer syndrome (HBOC). Identifiers: Orphanet 145, MedGen C0677776, MeSH D061325, MONDO:0003582. Disease mechanism: loss of function.
Familial cancer of breast. Also called: Hereditary breast cancer; hereditary breast carcinoma; BREAST CANCER, FAMILIAL. Identifiers: Orphanet 227535, MedGen C0346153, MONDO:0016419, OMIM 114480. Disease mechanism: loss of function.

Allele frequency attached by ClinVar (database versions not stated): gnomAD exomes 0.00001.

Submissions 1 to 7 of 14:

GeneDx
Classification: Likely pathogenic. Last evaluated: 2026-04-27. Review status: criteria provided, single submitter. Criteria: GeneDx Variant Classification Process June 2021. Collection method: clinical testing. Allele origin: germline.
Comment: Splice variant demonstrated to result in aberrant splicing, producing out-of-frame transcript(s) in a gene for which loss-of-function is a known mechanism of disease (PMID: 34846068, 30890586, 30792206, 32133419, 39518003, 39999518); Observed in the homozygous state in a patient with phenotype consistent with Fanconi anemia (PMID: 30792206); Not observed at significant frequency in large population cohorts (gnomAD); This variant is associated with the following publications: (PMID: 31642931, 36003761, 39761944, 32133419, 32238468, 17200671, 34846068, 35676859, Kang[absstract]2024, 36978154, 34793666, 38355628, 30792206, 30890586, 39518003, 39999518, 39272924)

Labcorp Genetics (formerly Invitae), Labcorp
Classification: Pathogenic for Familial cancer of breast. Last evaluated: 2026-01-10. Review status: criteria provided, single submitter. Criteria: Invitae Variant Classification Sherloc (09022015). Collection method: clinical testing. Allele origin: germline.
Comment: This sequence change falls in intron 12 of the PALB2 gene. It does not directly change the encoded amino acid sequence of the PALB2 protein. RNA analysis indicates that this variant induces altered splicing and likely disrupts the C-terminus of the protein. This variant is present in population databases (rs587782566, gnomAD 0.006%). This variant has been observed in individual(s) with Fanconi anemia (PMID: 30792206). ClinVar contains an entry for this variant (Variation ID: 142586). Variants that disrupt the consensus splice site are a relatively common cause of aberrant splicing (PMID: 17576681, 9536098). Studies have shown that this variant results in the generation of two aberrant transcripts, one that leads to out-of-frame exon 12 skipping and the other that leads to the in-frame skipping of exons 11 and 12 together and introduces a new termination codon (PMID: 30890586, 32133419; internal data). However the mRNA is not expected to undergo nonsense-mediated decay. This variant disrupts a region of the PALB2 protein in which other variant(s) (p.Tyr1183*) have been determined to be pathogenic (PMID: 17200671, 20927582, 21165770, 21365267, 26283626, 26296701). This suggests that this is a clinically significant region of the protein, and that variants that disrupt it are likely to be disease-causing. For these reasons, this variant has been classified as Pathogenic.

Women's Health and Genetics/Laboratory Corporation of America, LabCorp
Classification: Likely pathogenic for Hereditary breast ovarian cancer syndrome. Last evaluated: 2025-10-27. Review status: criteria provided, single submitter. Criteria: LabCorp Variant Classification Summary - May 2015. Collection method: clinical testing. Allele origin: germline.
Comment: Variant summary: PALB2 c.3350+5G>A alters a conserved nucleotide located close to a canonical splice site and therefore could affect mRNA splicing, leading to a significantly altered protein sequence. Several computational tools predict a significant impact on normal splicing: One predict the variant weakens a 5' donor site. Multiple publications report experimental evidence that this variant affects mRNA splicing, resulting in skipping of exons 11-12 or exon 12 (e.g. Karam_2019, Lopez-Perolio_2019, Mori_2019, Landrith_2020, internal data). The variant allele was found at a frequency of 8e-06 in 251408 control chromosomes. c.3350+5G>A has been observed in individual(s) affected with Hereditary Breast And Ovarian Cancer Syndrome or Pancreatic Ductal Adenocarcinoma (e.g. Kondo_2018, Karam_2019, Landrith_2020, Jiang_2023, Kwong_2024, Kansuttiviwat_2024, Megid_2022, Park_2022), as well as a homozygous indvidiual affected with Fanconi Anemia (Mori_2019). These data indicate that the variant may be associated with disease. The following publications have been ascertained in the context of this evaluation (PMID: 36978154, 38355628, 31642931, 29731985, 39272924, 32133419, 30890586, 36003761, 30792206, 34793666). ClinVar contains an entry for this variant (Variation ID: 142586). Based on the evidence outlined above, the variant was classified as likely pathogenic.

Quest Diagnostics Nichols Institute San Juan Capistrano
Classification: Likely pathogenic. Last evaluated: 2025-10-24. Review status: criteria provided, single submitter. Criteria: Quest Diagnostics criteria. Collection method: clinical testing. Allele origin: unknown.
Comment: The PALB2 c.3350+5G>A variant has been reported in the published literature in several individuals affected with breast and/or ovarian cancer (PMID: 34793666 (2022), 35676859 (2023), 36003761 (2022), 38355628 (2024), 39999518 (2025)) and pancreatic cancer (PMID: 29731985 (2018), 36978154 (2023)). This variant has also been reported in a homozygous state in an individual affected with Fanconi anemia (PMID: 30792206 (2019)). Assessment of experimental evidence suggests this variant results in abnormal RNA splicing, causing skipping of exon 12 (PMID: 30792206 (2019), 34846068 (2022)) or skipping of exons 11 and 12 (PMID: 30890586 (2019), 39999518 (2025)). The frequency of this variant in the general population (Genome Aggregation Database) is uninformative in the assessment of its pathogenicity. Analysis of this variant using software algorithms for the prediction of the effect of nucleotide changes on PALB2 mRNA splicing yielded inconclusive findings. Based on the available information, this variant is classified as likely pathogenic.

Color Diagnostics, LLC DBA Color Health
Classification: Likely pathogenic for Hereditary cancer-predisposing syndrome. Last evaluated: 2025-09-10. Review status: criteria provided, single submitter. Criteria: ACMG Guidelines, 2015. Collection method: clinical testing. Allele origin: germline.
Comment: This variant causes a G to A nucleotide substitution at the +5 position of the intron 12 splice donor site of the PALB2 gene. Four RNA studies have reported aberrant mRNA transcripts in variant carriers and in one minigene splicing assay that are predicted to disrupt the WD40 repeats domain in the protein (PMID: 30792206, 30890586, 32133419, 32238468, 34846068). One of the aberrant transcript is also present in healthy controls, albeit at a lower average level than in carriers with this variant (PMID: 32133419). This variant has been reported in two individuals affected with breast cancer, one individual affected with pancreatic cancer who also has a ATM truncation variant, and another individual affected with ovarian cancer (PMID: 29731985, 34793666, 35676859). The variant also has been observed in a homozygous carrier affected with Fanconi anemia (PMID: 30792206, 32238468). This variant has been identified in 2/251408 chromosomes in the general population by the Genome Aggregation Database (gnomAD). Loss of PALB2 function is a known mechanism of disease. Based on the available evidence, this variant is classified as Likely Pathogenic.

Ambry Genetics
Classification: Likely pathogenic for Hereditary cancer-predisposing syndrome. Last evaluated: 2025-03-05. Review status: criteria provided, single submitter. Criteria: Ambry Variant Classification Scheme 2023. Collection method: clinical testing. Allele origin: germline.
Comment: The c.3350+5G>A intronic variant results from a G to A substitution 5 nucleotides after coding exon 12 in the PALB2 gene. This nucleotide position is highly conserved in available vertebrate species. This alteration has been identified in the homozygous state in an individual with Fanconi Anemia features, and RNA analysis showed skipping of coding exon 12 (Mori M et al. Haematologica. 2019 Oct;104:1962-1973). In silico splice site analysis for this alteration is inconclusive. RNA studies have demonstrated this alteration results in abnormal splicing in the set of samples tested (Ambry internal data). Based on the majority of available evidence to date, this variant is likely to be pathogenic.

Department of Pathology and Laboratory Medicine, Sinai Health System
Classification: Likely pathogenic for Breast-ovarian cancer, familial, susceptibility to, 5. Last evaluated: 2024-11-05. Review status: criteria provided, single submitter. Criteria: ACMG Guidelines, 2015. Collection method: clinical testing. Allele origin: germline. Affected: yes.

NM_024675.4(PALB2):c.3350+5G>A

Gene: PALB2 (partner and localizer of BRCA2; minus strand). Cytogenetic location: 16p12.2.
Variant type: single nucleotide variant.
Coding change: c.3350+5G>A on transcript NM_024675.4 (MANE Select); 5 bases into the intron after coding-DNA position 3350, G replaced by A.
Molecular consequence: intron variant.
Genome position (GRCh38, 1-based): chr16:23,607,859, C>T on the plus strand (G>A on the coding strand, the complement: PALB2 is on the minus strand). VCF-style: chr16-23607859-C-T. GRCh37 (hg19) VCF-style: chr16-23619180-C-T.
Identifiers: ClinVar variation 142586 (VCV000142586.37), dbSNP rs587782566, ClinGen allele CA168760.